The following is an entry in ClinVar:

ClinVar aggregate classification (germline): Uncertain significance (1 of 4 stars; one submission).

gnomAD v4.1: 2 of 1,608,130 alleles (0.00012%); highest among the groups gnomAD compares: Non-Finnish European, 0.00017%; no homozygotes.

Submission:

Ambry Genetics
Classification: Uncertain significance. Last evaluated: 2024-10-23. Review status: criteria provided, single submitter. Criteria: Ambry Variant Classification Scheme 2023. Collection method: clinical testing. Allele origin: germline.
Comment: The p.Y832H variant (also known as c.2494T>C), located in coding exon 21 of the BUB1 gene, results from a T to C substitution at nucleotide position 2494. The tyrosine at codon 832 is replaced by histidine, an amino acid with similar properties. This amino acid position is conserved. In addition, this alteration is predicted to be deleterious by in silico analysis. Based on the available evidence, the clinical significance of this variant remains unclear.

NM_004336.5(BUB1):c.2494T>C (p.Tyr832His)

Gene: BUB1 (BUB1 mitotic checkpoint serine/threonine kinase; minus strand). Cytogenetic location: 2q13.
Variant type: single nucleotide variant.
Coding change: c.2494T>C on transcript NM_004336.5 (MANE Select); coding-DNA position 2494, T replaced by C.
Protein change: p.Tyr832His; replaces tyrosine 832 with histidine.
Molecular consequence: missense variant.
Genome position (GRCh38, 1-based): chr2:110,641,773, A>G on the plus strand (T>C on the coding strand, the complement: BUB1 is on the minus strand). VCF-style: chr2-110641773-A-G. GRCh37 (hg19) VCF-style: chr2-111399350-A-G.
Other names: c.2434T>C, p.Tyr812His (NM_001278616.2); c.2494T>C, p.Tyr832His (NM_001278617.2); short protein forms Y812H, Y832H.
Identifiers: ClinVar variation 3483084 (VCV003483084.1).
Genomic context (GRCh38, chr2:110,641,773, plus strand): 5'-ACTTCATAAACATGTGCTGCATAGATGGCTTTAGTCTTTCCATCAACTGGGTCCCAATGT[A>G]GAATTCCCAGGGGTTGGCAGGCTTTTGGACCTGCAAATCAGGTATGTGAAATTCATATCC-3'
Protein context (NP_004327.1, residues 822-842): VQKPANPWEF[Tyr832His]IGTQLMERLK